The following is an entry in ClinVar:

ClinVar aggregate classification (germline): Uncertain significance (1 of 4 stars; one submission).

Conditions:
Autosomal dominant nocturnal frontal lobe epilepsy 5. Also called: KCNT1-Related Epilepsy; CILIARY DYSKINESIA, PRIMARY, 28, WITHOUT SITUS INVERSUS; CILIARY DYSKINESIA, PRIMARY, 28, WITH SITUS INVERSUS; Epilepsy, nocturnal frontal lobe, 5. Identifiers: Orphanet 98784, MedGen C3554306, MONDO:0014002, OMIM 615005.
Developmental and epileptic encephalopathy, 14 (DEE14). Also called: Early infantile epileptic encephalopathy 14. Identifiers: Orphanet 293181, MedGen C3554195, MONDO:0013989, OMIM 614959.

Submission:

Labcorp Genetics (formerly Invitae), Labcorp
Classification: Uncertain significance for Autosomal dominant nocturnal frontal lobe epilepsy 5; Developmental and epileptic encephalopathy, 14. Last evaluated: 2024-10-24. Review status: criteria provided, single submitter. Criteria: Invitae Variant Classification Sherloc (09022015). Collection method: clinical testing. Allele origin: germline.
Comment: This sequence change replaces glutamic acid, which is acidic and polar, with aspartic acid, which is acidic and polar, at codon 1151 of the KCNT1 protein (p.Glu1151Asp). This variant is not present in population databases (gnomAD no frequency). This variant has not been reported in the literature in individuals affected with KCNT1-related conditions. Invitae Evidence Modeling of protein sequence and biophysical properties (such as structural, functional, and spatial information, amino acid conservation, physicochemical variation, residue mobility, and thermodynamic stability) indicates that this missense variant is not expected to disrupt KCNT1 protein function with a negative predictive value of 80%. In summary, the available evidence is currently insufficient to determine the role of this variant in disease. Therefore, it has been classified as a Variant of Uncertain Significance.

NM_020822.3(KCNT1):c.3453G>C (p.Glu1151Asp)

Gene: KCNT1 (potassium sodium-activated channel subfamily T member 1; plus strand). Cytogenetic location: 9q34.3.
Variant type: single nucleotide variant.
Coding change: c.3453G>C on transcript NM_020822.3 (MANE Select); coding-DNA position 3453, G replaced by C.
Protein change: p.Glu1151Asp; replaces glutamic acid 1151 with aspartic acid.
Molecular consequence: missense variant.
Genome position (GRCh38, 1-based): chr9:135,786,472, G>C. VCF-style: chr9-135786472-G-C. GRCh37 (hg19) VCF-style: chr9-138678318-G-C.
Other names: c.3318G>C, p.Glu1106Asp (NM_001272003.2); short protein forms E1106D, E1151D.
Identifiers: ClinVar variation 3752918 (VCV003752918.2).